The following is an entry in ClinVar:

ClinVar aggregate classification (germline): Conflicting classifications of pathogenicity. Review status: criteria provided, conflicting classifications (1 of 4 stars). 5 submissions from 5 submitters: Uncertain significance (1); Benign (2); Likely benign (2). Last evaluated 2026-06-23.

Conditions:
Adams-Oliver syndrome 5 (AOS5). Identifiers: Orphanet 974, MedGen C4014970, MONDO:0014459, OMIM 616028.
Familial thoracic aortic aneurysm and aortic dissection (TAAD). Also called: Thoracic aortic aneurysms and dissections. Identifiers: Orphanet 91387, MedGen C4707243, MONDO:0019625.

Submissions (5):

Women's Health and Genetics/Laboratory Corporation of America, LabCorp
Classification: Benign. Last evaluated: 2026-06-23. Review status: criteria provided, single submitter. Criteria: LabCorp Variant Classification Summary - May 2015. Collection method: clinical testing. Allele origin: germline.
Comment: Variant summary: NOTCH1 c.4587-5dupC alters a conserved nucleotide located at a position not widely known to affect splicing. Consensus agreement among computation tools predict no significant impact on normal splicing. However, these predictions have yet to be confirmed by functional studies. The variant allele was found at a frequency of 6.1e-05 in 230856 control chromosomes in the gnomAD database, including 1 homozygotes. The observed variant frequency exceeds the estimated maximal expected allele frequency for disease-causing variants in NOTCH1. To our knowledge, no occurrence of c.4587-5dupC in individuals affected with NOTCH1-related conditions and no experimental evidence demonstrating its impact on protein function have been reported. ClinVar contains an entry for this variant (Variation ID: 626869). Based on the evidence outlined above, the variant was classified as benign.

Labcorp Genetics (formerly Invitae), Labcorp
Classification: Benign for Adams-Oliver syndrome 5. Last evaluated: 2025-12-31. Review status: criteria provided, single submitter. Criteria: Invitae Variant Classification Sherloc (09022015). Collection method: clinical testing. Allele origin: germline.

Ambry Genetics
Classification: Likely benign for Familial thoracic aortic aneurysm and aortic dissection. Last evaluated: 2024-06-04. Review status: criteria provided, single submitter. Criteria: Ambry Variant Classification Scheme 2023. Collection method: clinical testing. Allele origin: germline.

GeneDx
Classification: Likely benign. Last evaluated: 2021-08-24. Review status: criteria provided, single submitter. Criteria: GeneDx Variant Classification Process June 2021. Collection method: clinical testing. Allele origin: germline. Affected: yes.

CHEO Genetics Diagnostic Laboratory, Children's Hospital of Eastern Ontario
Classification: Uncertain significance for Familial thoracic aortic aneurysm and aortic dissection. Last evaluated: 2016-11-01. Review status: criteria provided, single submitter. Criteria: ACMG Guidelines, 2015. Collection method: clinical testing. Allele origin: germline. Study: Canadian Open Genetics Repository.

Literature cited by the submitters: PubMed 24943832 (cited by Women's Health and Genetics/Laboratory Corporation of America, LabCorp); PubMed 16614245 (cited by Women's Health and Genetics/Laboratory Corporation of America, LabCorp); PubMed 21670202 (cited by Women's Health and Genetics/Laboratory Corporation of America, LabCorp); PubMed 22210878 (cited by Women's Health and Genetics/Laboratory Corporation of America, LabCorp); PubMed 19635999 (cited by Women's Health and Genetics/Laboratory Corporation of America, LabCorp); PubMed 26837699 (cited by Women's Health and Genetics/Laboratory Corporation of America, LabCorp); PubMed 23086750 (cited by Women's Health and Genetics/Laboratory Corporation of America, LabCorp); PubMed 19245433 (cited by Women's Health and Genetics/Laboratory Corporation of America, LabCorp); PubMed 22077063 (cited by Women's Health and Genetics/Laboratory Corporation of America, LabCorp); PubMed 15472075 (cited by Women's Health and Genetics/Laboratory Corporation of America, LabCorp); PubMed 23734977 (cited by Women's Health and Genetics/Laboratory Corporation of America, LabCorp); PubMed 22858860 (cited by Women's Health and Genetics/Laboratory Corporation of America, LabCorp).

NM_017617.5(NOTCH1):c.4587-10dup

Gene: NOTCH1 (notch receptor 1; minus strand). Cytogenetic location: 9q34.3.
Variant type: Duplication.
Coding change: c.4587-10dup on transcript NM_017617.5 (MANE Select); 10 bases into the intron before coding-DNA position 4587, one base duplicated (C; older notation c.4587-10dupC).
Molecular consequence: intron variant.
Genome position (GRCh38, 1-based): chr9:136,505,109, G duplicated on the plus strand (C on the coding strand, the reverse complement: NOTCH1 is on the minus strand); the first of 6 consecutive G bases (chr9:136,505,109-136,505,114); duplicating any one gives the same sequence. VCF-style (leftmost placement, unchanged base first): chr9-136505108-T-TG. GRCh37 (hg19) VCF-style: chr9-139399560-T-TG.
Other names: c.4587-5dupC (NM_017617.3, NM_017617.5); c.4587-10dup (LRG_1122t1).
Identifiers: ClinVar variation 626869 (VCV000626869.17), dbSNP rs766780122, ClinGen allele CA5340561.